The following is an entry in ClinVar:

NM_006767.4(LZTR1):c.1668C>T (p.Ser556=)

Gene: LZTR1 (leucine zipper like post translational regulator 1; plus strand). Cytogenetic location: 22q11.21.
Variant type: single nucleotide variant.
Coding change: c.1668C>T on transcript NM_006767.4 (MANE Select); coding-DNA position 1668, C replaced by T.
Protein change: p.Ser556=; no amino-acid change (serine 556 retained).
Molecular consequence: synonymous variant.
Genome position (GRCh38, 1-based): chr22:20,994,610, C>T. VCF-style: chr22-20994610-C-T. GRCh37 (hg19) VCF-style: chr22-21348899-C-T.
Identifiers: ClinVar variation 4101873 (VCV004101873.1).

ClinVar aggregate classification (germline): Uncertain significance (1 of 4 stars; one submission).

Conditions:
Cardiovascular phenotype. Identifiers: MedGen CN230736.
Hereditary cancer-predisposing syndrome. Also called: Tumor predisposition; Neoplastic Syndromes, Hereditary; Hereditary neoplastic syndrome; Hereditary Cancer Syndrome. Identifiers: Orphanet 140162, MedGen C0027672, MeSH D009386, MONDO:0015356.

Submission:

Ambry Genetics
Classification: Uncertain significance for Cardiovascular phenotype; Hereditary cancer-predisposing syndrome. Last evaluated: 2025-07-17. Review status: criteria provided, single submitter. Criteria: Ambry Variant Classification Scheme 2023. Collection method: clinical testing. Allele origin: germline.
Comment: The c.1668C>T variant (also known as p.S556S), located in coding exon 15 of the LZTR1 gene, results from a C to T substitution at nucleotide position 1668. This nucleotide substitution does not change the amino acid at codon 556. This nucleotide position is not well conserved in available vertebrate species. In silico splice site analysis for this alteration is inconclusive. Based on the available evidence, the clinical significance of this variant remains unclear.